The following is an entry in ClinVar:

ClinVar aggregate classification (germline): Uncertain significance (1 of 4 stars; one submission).

Conditions:
Aicardi-Goutieres syndrome 5. Identifiers: Orphanet 51, MedGen C2749659, MONDO:0013059, OMIM 612952.

Submission:

Labcorp Genetics (formerly Invitae), Labcorp
Classification: Uncertain significance for Aicardi-Goutieres syndrome 5. Last evaluated: 2023-12-11. Review status: criteria provided, single submitter. Criteria: Invitae Variant Classification Sherloc (09022015). Collection method: clinical testing. Allele origin: germline.
Comment: This sequence change replaces leucine, which is neutral and non-polar, with valine, which is neutral and non-polar, at codon 189 of the SAMHD1 protein (p.Leu189Val). This variant is not present in population databases (gnomAD no frequency). This variant has not been reported in the literature in individuals affected with SAMHD1-related conditions. ClinVar contains an entry for this variant (Variation ID: 1361263). Advanced modeling of protein sequence and biophysical properties (such as structural, functional, and spatial information, amino acid conservation, physicochemical variation, residue mobility, and thermodynamic stability) performed at Invitae indicates that this missense variant is not expected to disrupt SAMHD1 protein function with a negative predictive value of 80%. In summary, the available evidence is currently insufficient to determine the role of this variant in disease. Therefore, it has been classified as a Variant of Uncertain Significance.

NM_015474.4(SAMHD1):c.565C>G (p.Leu189Val)

Gene: SAMHD1 (SAM and HD domain containing deoxynucleoside triphosphate triphosphohydrolase 1; minus strand). Cytogenetic location: 20q11.23.
Variant type: single nucleotide variant.
Coding change: c.565C>G on transcript NM_015474.4 (MANE Select); coding-DNA position 565, C replaced by G.
Protein change: p.Leu189Val; replaces leucine 189 with valine.
Molecular consequence: missense variant.
Genome position (GRCh38, 1-based): chr20:36,930,820, G>C on the plus strand (C>G on the coding strand, the complement: SAMHD1 is on the minus strand). VCF-style: chr20-36930820-G-C. GRCh37 (hg19) VCF-style: chr20-35559223-G-C.
Other names: c.565C>G, p.Leu189Val (NM_001363729.2, NM_001363733.2); short protein forms L189V.
Identifiers: ClinVar variation 1361263 (VCV001361263.8), dbSNP rs2146132029, ClinGen allele CA408822159.